The following is an entry in ClinVar:

ClinVar aggregate classification (germline): Likely benign. Review status: criteria provided, multiple submitters, no conflicts (2 of 4 stars). 2 submissions from 2 submitters: Likely benign (2). Last evaluated 2026-09-01.

Conditions:
Inborn genetic diseases. Identifiers: MedGen C0950123, MeSH D030342.

Allele frequency attached by ClinVar (database versions not stated): ExAC 0.00007; gnomAD 0.00009; 1000 Genomes Project 30x 0.00016; TOPMed 0.00017; 1000 Genomes Project 0.00020.
gnomAD v4.1: 109 of 1,614,184 alleles (0.0068%); highest among the groups gnomAD compares: Middle Eastern, 0.016%; no homozygotes.

Submissions (2):

CeGaT Center for Human Genetics Tuebingen
Classification: Likely benign. Last evaluated: 2026-09-01. Review status: criteria provided, single submitter. Criteria: CeGaT Center For Human Genetics Tuebingen Variant Classification Criteria Version 2. Collection method: clinical testing. Allele origin: germline. Affected: yes. Observed: 1 variant allele.
Comment: KDM3B: BP4

Ambry Genetics
Classification: Likely benign for Inborn genetic diseases. Last evaluated: 2023-11-14. Review status: criteria provided, single submitter. Criteria: Ambry Variant Classification Scheme 2023. Collection method: clinical testing. Allele origin: germline.

NM_016604.4(KDM3B):c.1622C>G (p.Thr541Ser)

Gene: KDM3B (lysine demethylase 3B; plus strand). Cytogenetic location: 5q31.2.
Variant type: single nucleotide variant.
Coding change: c.1622C>G on transcript NM_016604.4 (MANE Select); coding-DNA position 1622, C replaced by G.
Protein change: p.Thr541Ser; replaces threonine 541 with serine.
Molecular consequence: missense variant.
Genome position (GRCh38, 1-based): chr5:138,391,254, C>G. VCF-style: chr5-138391254-C-G. GRCh37 (hg19) VCF-style: chr5-137726943-C-G.
Other names: short protein forms T541S.
Identifiers: ClinVar variation 3113763 (VCV003113763.2), dbSNP rs200501442, ClinGen allele CA3428940.